The following is an entry in ClinVar:

ClinVar aggregate classification (germline): Pathogenic. Review status: criteria provided, multiple submitters, no conflicts (2 of 4 stars). 2 submissions from 2 submitters: Pathogenic (2). Last evaluated 2025-06-26.

Conditions:
Cardiovascular phenotype. Identifiers: MedGen CN230736.
Hereditary cancer-predisposing syndrome. Also called: Hereditary neoplastic syndrome; Neoplastic Syndromes, Hereditary; Hereditary Cancer Syndrome; Tumor predisposition. Identifiers: Orphanet 140162, MedGen C0027672, MeSH D009386, MONDO:0015356.
Neurofibromatosis, type 1 (NF1). Also called: VON RECKLINGHAUSEN DISEASE; Neurofibromatosis, type I; NEUROFIBROMATOSIS, TYPE I, SOMATIC; Peripheral type neurofibromatosis. Identifiers: Orphanet 636, MedGen C0027831, MONDO:0018975, OMIM 162200. Disease mechanism: loss of function.

Submissions (2):

Ambry Genetics
Classification: Pathogenic for Cardiovascular phenotype; Hereditary cancer-predisposing syndrome. Last evaluated: 2025-06-26. Review status: criteria provided, single submitter. Criteria: Ambry Variant Classification Scheme 2023. Collection method: clinical testing. Allele origin: germline.
Comment: The c.204+1G>C intronic pathogenic mutation results from a G to C substitution one nucleotide after coding exon 2 of the NF1 gene. This variant was determined to be de novo in at least one individual with features consistent with Neurofibromatosis type 1 (Yao R et al. Genes (Basel), 2019 Oct;10:). This nucleotide position is highly conserved in available vertebrate species. In silico splice site analysis predicts that this alteration will weaken the native splice donor site; however, direct evidence is insufficient at this time (Ambry internal data). This variant is considered to be rare based on population cohorts in the Genome Aggregation Database (gnomAD). Alterations that disrupt the canonical splice site are expected to cause aberrant splicing, resulting in an abnormal protein or a transcript that is subject to nonsense-mediated mRNA decay. Based on the supporting evidence, this variant is interpreted as a disease-causing mutation.

Labcorp Genetics (formerly Invitae), Labcorp
Classification: Pathogenic for Neurofibromatosis, type 1. Last evaluated: 2024-09-03. Review status: criteria provided, single submitter. Criteria: Invitae Variant Classification Sherloc (09022015). Collection method: clinical testing. Allele origin: germline.
Comment: This sequence change affects a donor splice site in intron 2 of the NF1 gene. RNA analysis indicates that disruption of this splice site induces altered splicing and likely results in the loss of 35 amino acid residue(s), but is expected to preserve the integrity of the reading-frame. This variant is not present in population databases (gnomAD no frequency). Disruption of this splice site has been observed in individual(s) with neurofibromatosis type 1 and/or neurofibromatosis-Noonan syndrome (PMID: 10712197, 12807981, 17311297, 21354044, 26056819, 31717729, 32107864). ClinVar contains an entry for this variant (Variation ID: 1387649). Studies have shown that disruption of this splice site results in the activation of a cryptic splice site in exon 2 (PMID: 17311297, 21354044). For these reasons, this variant has been classified as Pathogenic.

Literature cited by the submitters: PubMed 31717729 (cited by Ambry Genetics and Labcorp Genetics (formerly Invitae), Labcorp); PubMed 10712197 (cited by Labcorp Genetics (formerly Invitae), Labcorp); PubMed 12807981 (cited by Labcorp Genetics (formerly Invitae), Labcorp); PubMed 17311297 (cited by Labcorp Genetics (formerly Invitae), Labcorp); PubMed 21354044 (cited by Labcorp Genetics (formerly Invitae), Labcorp); PubMed 26056819 (cited by Labcorp Genetics (formerly Invitae), Labcorp); PubMed 32107864 (cited by Labcorp Genetics (formerly Invitae), Labcorp).

NM_001042492.3(NF1):c.204+1G>C

Gene: NF1 (neurofibromin 1; plus strand). Cytogenetic location: 17q11.2.
Variant type: single nucleotide variant.
Coding change: c.204+1G>C on transcript NM_001042492.3 (MANE Select); the canonical splice donor site of the intron after coding-DNA position 204, G replaced by C.
Molecular consequence: splice donor variant.
Genome position (GRCh38, 1-based): chr17:31,156,127, G>C. VCF-style: chr17-31156127-G-C. GRCh37 (hg19) VCF-style: chr17-29483145-G-C.
Other names: c.204+1G>C (NM_000267.3, NM_000267.4, NM_001128147.3).
Identifiers: ClinVar variation 1387649 (VCV001387649.7), dbSNP rs886039548, ClinGen allele CA398988786.